The following is an entry in ClinVar:

ClinVar aggregate classification (germline): Uncertain significance. Review status: criteria provided, single submitter (1 of 4 stars). 2 submissions from 2 submitters: Uncertain significance (1). 1 of the submissions does not count toward it. Last evaluated 2025-07-18.

Conditions:
Frontotemporal dementia and/or amyotrophic lateral sclerosis 1 (FTDALS1). Also called: Frontotemporal dementia with motor neuron disease 1; C9orf72 Frontotemporal Dementia and/or Amyotrophic Lateral Sclerosis. Identifiers: Orphanet 275872, MedGen C5779877, MONDO:0007105, OMIM 105550.
Paget disease of bone 2, early-onset (PDB2). Also called: Paget disease of bone 2. Identifiers: MedGen C4085251, MONDO:0011183, OMIM 602080.
SQSTM1-related disorder. Also called: SQSTM1-Related Disorders.

Allele frequency attached by ClinVar (database versions not stated): gnomAD 0.00002; TOPMed 0.00002; ExAC 0.00004; gnomAD exomes 0.00004; ESP Exome Variant Server 0.00008.

Submissions (2):

Labcorp Genetics (formerly Invitae), Labcorp
Classification: Uncertain significance for Paget disease of bone 2, early-onset; Frontotemporal dementia and/or amyotrophic lateral sclerosis 1. Last evaluated: 2025-07-18. Review status: criteria provided, single submitter. Criteria: Invitae Variant Classification Sherloc (09022015). Collection method: clinical testing. Allele origin: germline.
Comment: This sequence change replaces proline, which is neutral and non-polar, with leucine, which is neutral and non-polar, at codon 296 of the SQSTM1 protein (p.Pro296Leu). This variant is present in population databases (rs376459756, gnomAD 0.02%). This variant has not been reported in the literature in individuals affected with SQSTM1-related conditions. ClinVar contains an entry for this variant (Variation ID: 1026120). Invitae Evidence Modeling of protein sequence and biophysical properties (such as structural, functional, and spatial information, amino acid conservation, physicochemical variation, residue mobility, and thermodynamic stability) indicates that this missense variant is not expected to disrupt SQSTM1 protein function with a negative predictive value of 80%. In summary, the available evidence is currently insufficient to determine the role of this variant in disease. Therefore, it has been classified as a Variant of Uncertain Significance.

PreventionGenetics, part of Exact Sciences
Classification: Uncertain significance for SQSTM1-related condition. Last evaluated: 2024-07-08. Review status: no assertion criteria provided. Collection method: clinical testing. Allele origin: germline. Not counted in ClinVar's aggregate classification.
Comment: The SQSTM1 c.887C>T variant is predicted to result in the amino acid substitution p.Pro296Leu. To our knowledge, this variant has not been reported in the literature. This variant is reported in 0.016% of alleles in individuals of East Asian descent in gnomAD. At this time, the clinical significance of this variant is uncertain due to the absence of conclusive functional and genetic evidence.

NM_003900.5(SQSTM1):c.887C>T (p.Pro296Leu)

Gene: SQSTM1 (sequestosome 1; plus strand). Cytogenetic location: 5q35.3.
Variant type: single nucleotide variant.
Coding change: c.887C>T on transcript NM_003900.5 (MANE Select); coding-DNA position 887, C replaced by T.
Protein change: p.Pro296Leu; replaces proline 296 with leucine.
Molecular consequence: missense variant.
Genome position (GRCh38, 1-based): chr5:179,833,164, C>T. VCF-style: chr5-179833164-C-T. GRCh37 (hg19) VCF-style: chr5-179260164-C-T.
Other names: c.635C>T, p.Pro212Leu (NM_001142298.2, NM_001142299.2); c.887C>T (NM_003900.4); short protein forms P212L, P296L.
Identifiers: ClinVar variation 1026120 (VCV001026120.7), dbSNP rs376459756, ClinGen allele CA3600712.